The following is an entry in ClinVar:

ClinVar aggregate classification (germline): Conflicting classifications of pathogenicity. Review status: criteria provided, conflicting classifications (1 of 4 stars). 5 submissions from 5 submitters: Uncertain significance (1); Benign (1); Likely benign (3). Last evaluated 2026-01-24.

Conditions:
Xeroderma pigmentosum (XP). Identifiers: Orphanet 910, MedGen C0043346, MONDO:0019600.
Xeroderma pigmentosum, group D (XPD). Also called: XERODERMA PIGMENTOSUM IV; XP, GROUP D; XP, GROUP H; ERCC2-Related Xeroderma Pigmentosum; XERODERMA PIGMENTOSUM, COMPLEMENTATION GROUP D. Identifiers: MedGen C0268138, MONDO:0010212, OMIM 278730.

Allele frequency attached by ClinVar (database versions not stated): gnomAD 0.00004 and 0.00030; TOPMed 0.00011; gnomAD exomes 0.00052 and 0.00099; ExAC 0.00116; 1000 Genomes Project 30x 0.00172; 1000 Genomes Project 0.00180.
gnomAD v4.1: 802 of 1,614,060 alleles (0.05%); highest among the groups gnomAD compares: South Asian, 0.79%; 11 homozygotes.

Submissions (5):

Labcorp Genetics (formerly Invitae), Labcorp
Classification: Benign. Last evaluated: 2026-01-24. Review status: criteria provided, single submitter. Criteria: Invitae Variant Classification Sherloc (09022015). Collection method: clinical testing. Allele origin: germline.

Blueprint Genetics
Classification: Likely benign. Last evaluated: 2024-10-23. Review status: criteria provided, single submitter. Criteria: ACMG Guidelines, 2015. Collection method: clinical testing. Allele origin: germline.

Sema4
Classification: Likely benign for Xeroderma pigmentosum. Last evaluated: 2020-09-11. Review status: criteria provided, single submitter. Criteria: Sema4 Curation Guidelines. Collection method: curation. Allele origin: germline.

Illumina Laboratory Services, Illumina
Classification: Likely benign for Xeroderma pigmentosum, group D. Last evaluated: 2018-01-12. Review status: criteria provided, single submitter. Criteria: ICSL Variant Classification Criteria 13 December 2019. Collection method: clinical testing. Allele origin: germline.
Comment: This variant was observed in the ICSL laboratory as part of a predisposition screen in an ostensibly healthy population. It had not been previously curated by ICSL or reported in the Human Gene Mutation Database (HGMD: prior to June 1st, 2018), and was therefore a candidate for classification through an automated scoring system. Utilizing variant allele frequency, disease prevalence and penetrance estimates, and inheritance mode, an automated score was calculated to assess if this variant is too frequent to cause the disease. Based on the score and internal cut-off values, a variant classified as likely benign is not then subjected to further curation. The score for this variant resulted in a classification of likely benign for this disease.

CeGaT Center for Human Genetics Tuebingen
Classification: Uncertain significance. Last evaluated: 2017-08-01. Review status: criteria provided, single submitter. Criteria: CeGaT Center For Human Genetics Tuebingen Variant Classification Criteria Version 2. Collection method: clinical testing. Allele origin: germline. Affected: yes. Observed: 1 variant allele.

NM_000400.4(ERCC2):c.1426G>A (p.Val476Ile)

Gene: ERCC2 (ERCC excision repair 2, TFIIH core complex helicase subunit; minus strand). Cytogenetic location: 19q13.32.
Variant type: single nucleotide variant.
Coding change: c.1426G>A on transcript NM_000400.4 (MANE Select); coding-DNA position 1426, G replaced by A.
Protein change: p.Val476Ile; replaces valine 476 with isoleucine.
Molecular consequence: missense variant.
Genome position (GRCh38, 1-based): chr19:45,357,323, C>T on the plus strand (G>A on the coding strand, the complement: ERCC2 is on the minus strand). VCF-style: chr19-45357323-C-T. GRCh37 (hg19) VCF-style: chr19-45860581-C-T.
Other names: short protein forms V476I.
Identifiers: ClinVar variation 795182 (VCV000795182.58), dbSNP rs531021258, ClinGen allele CA9513295.